The following is an entry in ClinVar:

ClinVar aggregate classification (germline): Uncertain significance (1 of 4 stars; one submission).

Conditions:
Inborn genetic diseases. Identifiers: MedGen C0950123, MeSH D030342.

Submission:

Ambry Genetics
Classification: Uncertain significance for Inborn genetic diseases. Last evaluated: 2026-01-18. Review status: criteria provided, single submitter. Criteria: Ambry Variant Classification Scheme 2023. Collection method: clinical testing. Allele origin: germline.
Comment: The p.R1329G variant (also known as c.3985A>G), located in coding exon 40 of the FANCA gene, results from an A to G substitution at nucleotide position 3985. The arginine at codon 1329 is replaced by glycine, an amino acid with dissimilar properties. This amino acid position is conserved. In addition, this alteration is predicted to be deleterious by in silico analysis. Based on the available evidence, the clinical significance of this variant remains unclear.

NM_000135.4(FANCA):c.3985A>G (p.Arg1329Gly)

Genes: FANCA (FA complementation group A; minus strand), ZNF276 (zinc finger protein 276; plus strand). Cytogenetic location: 16q24.3.
Variant type: single nucleotide variant.
Coding change: c.3985A>G on transcript NM_000135.4 (MANE Select); coding-DNA position 3985, A replaced by G.
Protein change: p.Arg1329Gly; replaces arginine 1329 with glycine.
Molecular consequence: missense variant. On other transcripts: 3 prime UTR variant (2), non-coding transcript variant (4).
Genome position (GRCh38, 1-based): chr16:89,739,503, T>C on the plus strand (A>G on the coding strand, the complement: FANCA is on the minus strand). VCF-style: chr16-89739503-T-C. GRCh37 (hg19) VCF-style: chr16-89805911-T-C.
Other names: c.3985A>G, p.Arg1329Gly (NM_001286167.3); c.*1257T>C (NM_001113525.2, NM_152287.4); short protein forms R1329G.
Identifiers: ClinVar variation 4824580 (VCV004824580.1).